The following is an entry in ClinVar:

NM_022124.6(CDH23):c.6961_6968del (p.Ala2320_Val2321insTer)

Gene: CDH23 (cadherin related 23; plus strand). Cytogenetic location: 10q22.1.
Variant type: Deletion.
Coding change: c.6961_6968del on transcript NM_022124.6 (MANE Select); coding-DNA positions 6961 to 6968, 8 bases deleted (GTGGACCC; older notation c.6961_6968delGTGGACCC).
Protein change: p.Ala2320_Val2321insTer.
Molecular consequence: nonsense.
Genome position (GRCh38, 1-based): chr10:71,798,485-71,798,492, GTGGACCC deleted; deleting any 8 consecutive bases within chr10:71,798,483-71,798,492 gives the same sequence; the c. name uses the placement nearest the transcript's 3' end. VCF-style (leftmost placement, unchanged base first): chr10-71798482-GCCGTGGAC-G. GRCh37 (hg19) VCF-style: chr10-73558239-GCCGTGGAC-G.
Other names: c.241_248del, p.Ala80_Val81insTer (NM_001171933.1, NM_001171934.1).
Identifiers: ClinVar variation 3007236 (VCV003007236.3), dbSNP rs1841465387, ClinGen allele CA1918878464.

ClinVar aggregate classification (germline): Pathogenic (1 of 4 stars; one submission).

Submission:

Labcorp Genetics (formerly Invitae), Labcorp
Classification: Pathogenic. Last evaluated: 2023-05-15. Review status: criteria provided, single submitter. Criteria: Invitae Variant Classification Sherloc (09022015). Collection method: clinical testing. Allele origin: germline.
Comment: For these reasons, this variant has been classified as Pathogenic. This variant has not been reported in the literature in individuals affected with CDH23-related conditions. This sequence change creates a premature translational stop signal (p.Val2321*) in the CDH23 gene. It is expected to result in an absent or disrupted protein product. Loss-of-function variants in CDH23 are known to be pathogenic (PMID: 11138009, 21940737). This variant is not present in population databases (gnomAD no frequency).

Literature cited by the submitters: PubMed 11138009; PubMed 21940737.